The following is an entry in ClinVar:

NM_000257.4(MYH7):c.50G>A (p.Arg17His)

Gene: MYH7 (myosin heavy chain 7; minus strand). Cytogenetic location: 14q11.2.
Variant type: single nucleotide variant.
Coding change: c.50G>A on transcript NM_000257.4 (MANE Select); coding-DNA position 50, G replaced by A.
Protein change: p.Arg17His; replaces arginine 17 with histidine.
Molecular consequence: missense variant.
Genome position (GRCh38, 1-based): chr14:23,433,683, C>T on the plus strand (G>A on the coding strand, the complement: MYH7 is on the minus strand). VCF-style: chr14-23433683-C-T. GRCh37 (hg19) VCF-style: chr14-23902892-C-T.
Other names: short protein forms R17H.
Identifiers: ClinVar variation 164407 (VCV000164407.61), dbSNP rs727503280, ClinGen allele CA015673.

ClinVar aggregate classification (germline): Uncertain significance. Review status: criteria provided, multiple submitters, no conflicts (2 of 4 stars). 10 submissions from 10 submitters: Uncertain significance (10). Last evaluated 2025-08-03.

Conditions:
Cardiovascular phenotype. Identifiers: MedGen CN230736.
Cardiomyopathy (CMYO). Also called: Cardiomyopathies. Identifiers: Orphanet 167848, MedGen C0878544, MONDO:0004994, HP:0001638. Inheritance: Various modes of inheritance.
Hypertrophic cardiomyopathy. Also called: HYPERTROPHIC MYOCARDIOPATHY. Identifiers: Orphanet 217569, MedGen C0007194, MeSH D002312, MONDO:0005045, HP:0001639.

Allele frequency attached by ClinVar (database versions not stated): gnomAD exomes below 0.00001 and 0.00001; gnomAD 0.00001; TOPMed 0.00003.
gnomAD v4.1: 12 of 1,614,138 alleles (0.00074%); highest among the groups gnomAD compares: East Asian, 0.0022%; no homozygotes.

Submissions (10):

Labcorp Genetics (formerly Invitae), Labcorp
Classification: Uncertain significance for Hypertrophic cardiomyopathy. Last evaluated: 2025-08-03. Review status: criteria provided, single submitter. Criteria: Invitae Variant Classification Sherloc (09022015). Collection method: clinical testing. Allele origin: germline.
Comment: This sequence change replaces arginine, which is basic and polar, with histidine, which is basic and polar, at codon 17 of the MYH7 protein (p.Arg17His). This variant is present in population databases (rs727503280, gnomAD 0.0009%). This missense change has been observed in individual(s) with hypertrophic cardiomyopathy (PMID: 25351510). ClinVar contains an entry for this variant (Variation ID: 164407). Invitae Evidence Modeling of protein sequence and biophysical properties (such as structural, functional, and spatial information, amino acid conservation, physicochemical variation, residue mobility, and thermodynamic stability) indicates that this missense variant is expected to disrupt MYH7 protein function with a positive predictive value of 95%. In summary, the available evidence is currently insufficient to determine the role of this variant in disease. Therefore, it has been classified as a Variant of Uncertain Significance.

Color Diagnostics, LLC DBA Color Health
Classification: Uncertain significance for Cardiomyopathy. Last evaluated: 2025-07-10. Review status: criteria provided, single submitter. Criteria: ACMG Guidelines, 2015. Collection method: clinical testing. Allele origin: germline.
Comment: This missense variant replaces arginine with histidine at codon 17 of the MYH7 protein. This variant is found within a highly conserved region of the myosin head domain. Missense variants in this region have been shown to be significantly overrepresented in individuals with hypertrophic cardiomyopathy (PMID: 27532257). Computational prediction suggests that this variant may have a deleterious impact on protein structure and function. To our knowledge, functional studies have not been reported for this variant. This variant has been reported in one individual affected with hypertrophic cardiomyopathy (PMID: 25351510). This variant has been identified in 1/251366 chromosomes in the general population by the Genome Aggregation Database (gnomAD). The available evidence is insufficient to determine the role of this variant in disease conclusively. Therefore, this variant is classified as a Variant of Uncertain Significance.

Ambry Genetics
Classification: Uncertain significance for Cardiovascular phenotype. Last evaluated: 2025-03-05. Review status: criteria provided, single submitter. Criteria: Ambry Variant Classification Scheme 2023. Collection method: clinical testing. Allele origin: germline.
Comment: The p.R17H variant (also known as c.50G>A), located in coding exon 1 of the MYH7 gene, results from a G to A substitution at nucleotide position 50. The arginine at codon 17 is replaced by histidine, an amino acid with highly similar properties. This alteration has been reported in a hypertrophic cardiomyopathy (HCM) cohort; however, clinical details were limited (Lopes LR et al. Heart, 2015 Feb;101:294-301). This amino acid position is highly conserved in available vertebrate species. In addition, this alteration is predicted to be deleterious by in silico analysis. Since supporting evidence is limited at this time, the clinical significance of this alteration remains unclear.

All of Us Research Program, National Institutes of Health
Classification: Uncertain significance for Cardiomyopathy. Last evaluated: 2024-01-11. Review status: criteria provided, single submitter. Criteria: ACMG Guidelines, 2015. Collection method: clinical testing. Allele origin: germline. Inheritance: Autosomal dominant inheritance. Observed: 7 variant alleles, 7 heterozygotes.
Comment: This missense variant replaces arginine with histidine at codon 17 of the MYH7 protein. This variant is found within a highly conserved region of the myosin head domain. Missense variants in this region have been shown to be significantly overrepresented in individuals with hypertrophic cardiomyopathy (PMID: 27532257). Computational prediction suggests that this variant may have a deleterious impact on protein structure and function (internally defined REVEL score threshold >= 0.7, PMID: 27666373). To our knowledge, functional studies have not been reported for this variant. This variant has been reported in one individual affected with hypertrophic cardiomyopathy (PMID: 25351510). This variant has been identified in 1/251366 chromosomes in the general population by the Genome Aggregation Database (gnomAD). The available evidence is insufficient to determine the role of this variant in disease conclusively. Therefore, this variant is classified as a Variant of Uncertain Significance.

This study involves interpretation of variants in research participants for the purpose of population health screening. Participant phenotype was not available at the time of variant classification. Additional details can be found in publication PMID: 35346344, PMCID: PMC8962531

Blueprint Genetics
Classification: Uncertain significance. Last evaluated: 2023-08-01. Review status: criteria provided, single submitter. Criteria: ACMG Guidelines, 2015. Collection method: clinical testing. Allele origin: germline.

GeneDx
Classification: Uncertain significance. Last evaluated: 2023-06-05. Review status: criteria provided, single submitter. Criteria: GeneDx Variant Classification Process June 2021. Collection method: clinical testing. Allele origin: germline. Affected: yes.
Comment: Not observed at significant frequency in large population cohorts (gnomAD); In silico analysis supports that this missense variant has a deleterious effect on protein structure/function; Identified in a patient with hypertrophic cardiomyopathy (HCM) in published literature; however, detailed clinical information was not provided (Lopes et al., 2015); This variant is associated with the following publications: (PMID: 25351510)

Institute of Human Genetics, Clinical Exome/Genome Diagnostics Group, University Hospital Bonn
Classification: Uncertain significance. Last evaluated: 2022-03-10. Review status: criteria provided, single submitter. Criteria: ACMG Guidelines, 2015. Collection method: clinical testing. Allele origin: germline. Affected: yes.

AiLife Diagnostics
Classification: Uncertain significance. Last evaluated: 2021-07-29. Review status: criteria provided, single submitter. Criteria: ACMG Guidelines, 2015. Collection method: clinical testing. Allele origin: germline. Affected: yes. Observed: 1 variant allele.

CeGaT Center for Human Genetics Tuebingen
Classification: Uncertain significance. Last evaluated: 2020-03-01. Review status: criteria provided, single submitter. Criteria: CeGaT Center For Human Genetics Tuebingen Variant Classification Criteria Version 2. Collection method: clinical testing. Allele origin: germline. Affected: yes. Observed: 3 variant alleles.

Laboratory for Molecular Medicine, Mass General Brigham Personalized Medicine
Classification: Uncertain significance. Last evaluated: 2014-02-17. Review status: criteria provided, single submitter. Criteria: LMM Criteria. Collection method: clinical testing. Allele origin: germline. Observed: 1 variant allele.
Comment: The Arg17His variant in MYH7 has not been previously reported in individuals wit h cardiomyopathy or in large population studies. Computational prediction tools and conservation analysis suggest that this variant may impact the protein, thou gh this information is not predictive enough to determine pathogenicity. Additio nal information is needed to fully assess the clinical significance of the Arg17 His variant.

Literature cited by the submitters: PubMed 25351510 (cited by 5 submitters); PubMed 27532257 (cited by Color Diagnostics, LLC DBA Color Health and All of Us Research Program, National Institutes of Health).